The following is an entry in ClinVar:

ClinVar aggregate classification (germline): Uncertain significance (1 of 4 stars; one submission).

Conditions:
Dyskeratosis congenita, autosomal recessive 6 (DKCB6). Identifiers: MedGen C4225356, MONDO:0014600, OMIM 616353.
Pulmonary fibrosis and/or bone marrow failure, Telomere-related, 4. Also called: PULMONARY FIBROSIS AND/OR BONE MARROW FAILURE SYNDROME, TELOMERE-RELATED, 4. Identifiers: Orphanet 2032, MedGen C4225347, MONDO:0014612, OMIM 616371.

Allele frequency attached by ClinVar (database versions not stated): gnomAD 0.00003 and 0.00004; gnomAD exomes 0.00001 and 0.00002; TOPMed 0.00003; ExAC 0.00001.
gnomAD v4.1: 40 of 1,610,700 alleles (0.0025%); highest among the groups gnomAD compares: Non-Finnish European, 0.0031%; no homozygotes.

Submission:

Labcorp Genetics (formerly Invitae), Labcorp
Classification: Uncertain significance for Dyskeratosis congenita, autosomal recessive 6; Pulmonary fibrosis and/or bone marrow failure, Telomere-related, 4. Last evaluated: 2025-12-26. Review status: criteria provided, single submitter. Criteria: Invitae Variant Classification Sherloc (09022015). Collection method: clinical testing. Allele origin: germline.
Comment: This sequence change replaces glutamine, which is neutral and polar, with arginine, which is basic and polar, at codon 177 of the PARN protein (p.Gln177Arg). This variant is present in population databases (rs772994032, gnomAD 0.002%). This variant has not been reported in the literature in individuals affected with PARN-related conditions. ClinVar contains an entry for this variant (Variation ID: 1009170). Invitae Evidence Modeling of protein sequence and biophysical properties (such as structural, functional, and spatial information, amino acid conservation, physicochemical variation, residue mobility, and thermodynamic stability) indicates that this missense variant is expected to disrupt PARN protein function with a positive predictive value of 80%. In summary, the available evidence is currently insufficient to determine the role of this variant in disease. Therefore, it has been classified as a Variant of Uncertain Significance.

NM_002582.4(PARN):c.530A>G (p.Gln177Arg)

Gene: PARN (poly(A)-specific ribonuclease; minus strand). Cytogenetic location: 16p13.12.
Variant type: single nucleotide variant.
Coding change: c.530A>G on transcript NM_002582.4 (MANE Select); coding-DNA position 530, A replaced by G.
Protein change: p.Gln177Arg; replaces glutamine 177 with arginine.
Molecular consequence: missense variant.
Genome position (GRCh38, 1-based): chr16:14,610,668, T>C on the plus strand (A>G on the coding strand, the complement: PARN is on the minus strand). VCF-style: chr16-14610668-T-C. GRCh37 (hg19) VCF-style: chr16-14704525-T-C.
Other names: c.347A>G, p.Gln116Arg (NM_001134477.3); c.392A>G, p.Gln131Arg (NM_001242992.2); short protein forms Q116R, Q131R, Q177R.
Identifiers: ClinVar variation 1009170 (VCV001009170.7), dbSNP rs772994032, ClinGen allele CA7912397.